The following is an entry in ClinVar:

NM_000092.5(COL4A4):c.72-28_72-24del

Gene: COL4A4 (collagen type IV alpha 4 chain; minus strand). Cytogenetic location: 2q36.3.
Variant type: Deletion.
Coding change: c.72-28_72-24del on transcript NM_000092.5 (MANE Select); 28 bases into the intron before coding-DNA position 72 through 24 bases into the intron before coding-DNA position 72, 5 bases deleted (ATTAA; older notation c.72-28_72-24delATTAA).
Molecular consequence: intron variant.
Genome position (GRCh38, 1-based): chr2:227,144,582-227,144,586, TTAAT deleted on the plus strand (ATTAA on the coding strand, the reverse complement: COL4A4 is on the minus strand); deleting any 5 consecutive bases within chr2:227,144,582-227,144,590 gives the same sequence; the c. name uses the placement nearest the transcript's 3' end. VCF-style (leftmost placement, unchanged base first): chr2-227144581-ATTAAT-A. GRCh37 (hg19) VCF-style: chr2-228009297-ATTAAT-A.
Identifiers: ClinVar variation 3358726 (VCV003358726.1).

ClinVar aggregate classification (germline): Likely benign (0 of 4 stars; one submission).

Conditions:
COL4A4-related disorder.

Submission:

PreventionGenetics, part of Exact Sciences
Classification: Likely benign for COL4A4-related condition. Last evaluated: 2024-09-27. Review status: no assertion criteria provided. Collection method: clinical testing. Allele origin: germline.
Comment: This variant is classified as likely benign based on ACMG/AMP sequence variant interpretation guidelines (Richards et al. 2015 PMID: 25741868, with internal and published modifications).